The following is an entry in ClinVar:

NM_000048.4(ASL):c.302G>A (p.Gly101Asp)

Gene: ASL (argininosuccinate lyase; plus strand). Cytogenetic location: 7q11.21.
Variant type: single nucleotide variant.
Coding change: c.302G>A on transcript NM_000048.4 (MANE Select); coding-DNA position 302, G replaced by A.
Protein change: p.Gly101Asp; replaces glycine 101 with aspartic acid.
Molecular consequence: missense variant.
Genome position (GRCh38, 1-based): chr7:66,082,890, G>A. VCF-style: chr7-66082890-G-A. GRCh37 (hg19) VCF-style: chr7-65547877-G-A.
Other names: c.302G>A, p.Gly101Asp (NM_001024943.2, NM_001024944.2, NM_001024946.2); short protein forms G101D.
Identifiers: ClinVar variation 1955055 (VCV001955055.5), dbSNP rs775061205, ClinGen allele CA4276895.

ClinVar aggregate classification (germline): Likely pathogenic (1 of 4 stars; one submission).

Conditions:
Argininosuccinate lyase deficiency. Also called: ARGININOSUCCINIC ACID LYASE DEFICIENCY; ASL DEFICIENCY; Argininosuccinic aciduria. Identifiers: Orphanet 23, MedGen C0268547, MONDO:0008815, OMIM 207900, HP:0025630.

Allele frequency attached by ClinVar (database versions not stated): gnomAD exomes below 0.00001; ExAC 0.00001.
gnomAD v4.1: 4 of 1,613,784 alleles (0.00025%); highest among the groups gnomAD compares: Admixed American, 0.0017%; no homozygotes.

Submission:

Labcorp Genetics (formerly Invitae), Labcorp
Classification: Likely pathogenic for Argininosuccinate lyase deficiency. Last evaluated: 2021-12-25. Review status: criteria provided, single submitter. Criteria: Invitae Variant Classification Sherloc (09022015). Collection method: clinical testing. Allele origin: germline.
Comment: In summary, the currently available evidence indicates that the variant is pathogenic, but additional data are needed to prove that conclusively. Therefore, this variant has been classified as Likely Pathogenic. Advanced modeling of protein sequence and biophysical properties (such as structural, functional, and spatial information, amino acid conservation, physicochemical variation, residue mobility, and thermodynamic stability) performed at Invitae indicates that this missense variant is expected to disrupt ASL protein function. This missense change has been observed in individual(s) with argininosuccinate lyase deficiency (Invitae). This variant is present in population databases (rs775061205, gnomAD 0.003%). This sequence change replaces glycine, which is neutral and non-polar, with aspartic acid, which is acidic and polar, at codon 101 of the ASL protein (p.Gly101Asp).